The following is an entry in ClinVar:

ClinVar aggregate classification (germline): Uncertain significance (1 of 4 stars; one submission).

Conditions:
YY1-related disorder. Also called: YY1-related condition.

Submission:

PreventionGenetics, part of Exact Sciences
Classification: Uncertain significance for YY1-related condition. Last evaluated: 2023-01-30. Review status: criteria provided, single submitter. Criteria: ACMG Guidelines, 2015. Collection method: clinical testing. Allele origin: germline.
Comment: The YY1 c.989G>A variant is predicted to result in the amino acid substitution p.Cys330Tyr. To our knowledge, this variant has not been reported in the literature or in a large population database, indicating this variant is rare. At this time, the clinical significance of this variant is uncertain due to the absence of conclusive functional and genetic evidence.

NM_003403.5(YY1):c.989G>A (p.Cys330Tyr)

Gene: YY1 (YY1 transcription factor; plus strand). Cytogenetic location: 14q32.2.
Variant type: single nucleotide variant.
Coding change: c.989G>A on transcript NM_003403.5 (MANE Select); coding-DNA position 989, G replaced by A.
Protein change: p.Cys330Tyr; replaces cysteine 330 with tyrosine.
Molecular consequence: missense variant.
Genome position (GRCh38, 1-based): chr14:100,276,575, G>A. VCF-style: chr14-100276575-G-A. GRCh37 (hg19) VCF-style: chr14-100742912-G-A.
Other names: short protein forms C330Y.
Identifiers: ClinVar variation 2634433 (VCV002634433.1), dbSNP rs2549138600, ClinGen allele CA390968749.
Genomic context (GRCh38, chr14:100,276,575, plus strand): 5'-ACTCGGCCATGAGAAAACATCTGCACACCCACGGTCCCAGAGTCCACGTCTGTGCAGAAT[G>A]TGGCAAAGCTTTTGTTGAGAGTTCAAAACTAAAACGACACCAACTGGTTCATACTGGAGA-3'
Protein context (NP_003394.1, residues 320-340): HGPRVHVCAE[Cys330Tyr]GKAFVESSKL